The following continues an entry in ClinVar:

NM_007194.4(CHEK2):c.1283C>T (p.Ser428Phe)

Gene: CHEK2. ClinVar aggregate classification (germline): Conflicting classifications of pathogenicity. Pathogenic (21); Likely pathogenic (11); Pathogenic, low penetrance (1); Established risk allele (1); Likely risk allele (1); Uncertain significance (1).

Submissions 8 to 19 of 42:

Department of Clinical Genetics, Copenhagen University Hospital, Rigshospitalet
Classification: Likely risk allele for Hereditary cancer-predisposing syndrome. Last evaluated: 2025-02-19. Review status: criteria provided, single submitter. Criteria: Schmidt et al. (Genet Med. 2024). Collection method: clinical testing. Allele origin: germline.

Blueprint Genetics
Classification: Pathogenic for CHEK2-related disorders. Last evaluated: 2024-11-19. Review status: criteria provided, single submitter. Criteria: ACMG Guidelines, 2015. Collection method: clinical testing. Allele origin: germline. Affected: yes. Observed: 5 variant alleles.

Institute for Genomic Medicine (IGM) Clinical Laboratory, Nationwide Children's Hospital
Classification: Uncertain significance for CHEK2-related cancer predisposition. Last evaluated: 2024-10-14. Review status: criteria provided, single submitter. Criteria: ACMG Guidelines, 2015. Collection method: clinical testing. Allele origin: germline.
Comment: This variant has been reported at an elevated frequency in affected individuals/in multiple affected individuals in the literature (ACMG/AMP: PS4_Moderate; PMIDs:37490054, 33471974, 34622392, 28727877, 26270727, 27798748).

Fulgent Genetics
Classification: Pathogenic for Familial prostate cancer; Bone osteosarcoma; CHEK2-related cancer predisposition. Last evaluated: 2024-05-13. Review status: criteria provided, single submitter. Criteria: ACMG Guidelines, 2015. Collection method: clinical testing. Allele origin: germline.

Baylor Genetics
Classification: Pathogenic for Familial cancer of breast. Last evaluated: 2024-03-29. Review status: criteria provided, single submitter. Criteria: ACMG Guidelines, 2015. Collection method: clinical testing. Allele origin: unknown.

Johns Hopkins Genomics, Johns Hopkins University
Classification: Likely pathogenic for CHEK2-related cancer predisposition. Last evaluated: 2024-02-09. Review status: criteria provided, single submitter. Criteria: ACMG Guidelines, 2015. Collection method: clinical testing. Allele origin: germline.
Comment: This CHEK2 variant (rs137853011) reaches polymorphic frequency (>1%) within the Ashkenazi Jewish subpopulation in a large population dataset (gnomADv2.1.1: 116/10362 total alleles; 1.12%; 1 homozygote). This variant has been reported in ClinVar and reported in the literature in multiple individuals affected with hereditary breast and ovarian cancer and other tumor phenotypes. One study reported an approximately 2-fold increased risk of breast cancer among Ashkenazi Jewish women carrying this alteration. However, additional case-control studies have reported that the odds ratio of developing breast cancer for individuals carrying this variant are in the range of 1.08 to 1.26. An ACMG resource guide developed by an international working group indicated that the p.Ser428Phe variant has low penetrance and in isolation is not at a level of clinical actionability, for which additional early cancer detection and prevention options above population level screening are typically indicated. Two bioinformatic tools queried predict that this substitution (p.Ser428Phe) would be damaging, and the serine residue at this position is conserved across the mammalian species assessed. Experimental studies in yeast have shown that this substitution abrogates CHEK2 protein function. Bioinformatic analysis predicts that this missense variant would not affect typical exon 12 splicing, although this has not been confirmed experimentally to our knowledge. We consider c.1283C>T to be likely pathogenic, low penetrance for CHEK2-Related Cancer Susceptibility.

Molecular Pathology, Peter Maccallum Cancer Centre
Classification: Pathogenic for Familial cancer of breast. Last evaluated: 2024-01-09. Review status: criteria provided, single submitter. Criteria: ACMG Guidelines, 2015. Collection method: clinical testing. Allele origin: germline. Inheritance: Autosomal dominant inheritance.

Institute for Biomarker Research, Medical Diagnostic Laboratories, L.L.C.
Classification: Likely pathogenic for Hereditary cancer-predisposing syndrome. Last evaluated: 2023-10-24. Review status: criteria provided, single submitter. Criteria: ACMG Guidelines, 2015. Collection method: clinical testing. Allele origin: germline.

GeneDx
Classification: Pathogenic. Last evaluated: 2023-07-16. Review status: criteria provided, single submitter. Criteria: GeneDx Variant Classification Process June 2021. Collection method: clinical testing. Allele origin: germline. Affected: yes.
Comment: Case control studies suggest this variant is associated with breast cancer, although some odds ratios are only modestly elevated (<1.5) (Shaag et al., 2005; Hu et al., 2021; Bychkovsky et al., 2022); Published functional studies demonstrate a damaging effect: loss of CHEK2-mediated DNA damage response and impaired protein function in yeast complementation assays (Shaag et al., 2005; Tischkowitz et al., 2008; Roeb et al., 2012); In silico analysis supports that this missense variant has a deleterious effect on protein structure/function; This variant is associated with the following publications: (PMID: 18571837, 25674498, 16998506, 27621404, 29086229, 29109859, 27433846, 36136322, 33471974, 24763289, 25629968, 27900359, 27153395, 27751358, 27798748, 18706089, 27296296, 28495237, 28281021, 28452373, 28135137, 28135139, 26270727, 28340968, 28008555, 28981386, 28526081, 28873162, 28727877, 28944238, 28135145, 26681312, 26556299, 29560538, 27806230, 30858171, 29520813, 30067863, 30152102, 29506128, 29961768, 29978187, 30322717, 30309722, 31159747, 30676620, 31360903, 34622392, 32805687, 31447099, 31948886, 28104920, 32885271, 31980526, 29625052, 34308366, 29922827, 35264596, 31794323, 32986223, 34654685, 28888541, 35174967, 32782288, 32923877, 34148862, 22419737, 15649950, 18085035, 33471991, 35626031, 34308104, 19782031)

Ambry Genetics
Classification: Established risk allele for Hereditary cancer-predisposing syndrome. Last evaluated: 2023-02-01. Review status: criteria provided, single submitter. Criteria: Ambry Variant Classification Scheme 2023. Collection method: clinical testing. Allele origin: germline.
Comment: The p.S428F variant (also known as c.1283C>T), located in coding exon 11 of the CHEK2 gene, results from a C to T substitution at nucleotide position 1283. The serine at codon 428 is replaced by phenylalanine, an amino acid with highly dissimilar properties. This alteration has been detected in multiple unrelated patients with personal and/or family histories of breast cancer (Desmond A et al. JAMA Oncol. 2015 Oct;1:943-51; Maxwell KN et al. Am. J. Hum. Genet. 2016 May;98:801-17; Moran O et al. Breast Cancer Res. Treat. 2017 Jan;161:135-142; Walsh T et al. JAMA Oncol. 2017 12;3:1647-1653), men with metastatic prostate cancer (Pritchard CC et al. N. Engl. J. Med. 2016 Aug;375:443-53), and patients with colorectal cancer (DeRycke MS et al. Mol Genet Genomic Med. 2017 Sep;5:553-569). Of note, this variant has been described as a founder mutation in the Ashkenazi Jewish population, and at least one study reported an approximately 2-fold increased risk of breast cancer among Ashkenazi Jewish women carrying this alteration (Shaag A et al. Hum. Mol. Genet. 2005 Feb;14:555-63). However, additional case-control studies have reported that the odds ratio of developing breast cancer for individuals carrying this variant are in the range of 1.08 to 1.26 (Dorling et al. N Engl J Med. 2021 02;384:428-439; Hu C et al. N Engl J Med. 2021 02;384(5):440-451; Bychkovsky BL et al. JAMA Oncol. 2022 Sep; Laitman Y et al. Fam Cancer. 2022 07;21(3):305-308). A yeast-based functional study has indicated that this alteration abolishes normal CHK2 activity (Roeb W et al. Hum. Mol. Genet. 2012 Jun;21:2738-44). This amino acid position is not well conserved in available vertebrate species. In addition, the in silico prediction for this alteration is inconclusive. Based on the majority of available evidence to date, this variant is interpreted as a moderate risk mutation, also referred to as an established risk allele.

Institute of Human Genetics, University of Leipzig Medical Center
Classification: Pathogenic for Familial cancer of breast. Last evaluated: 2022-09-16. Review status: criteria provided, single submitter. Criteria: ACMG Guidelines, 2015. Collection method: clinical testing. Allele origin: unknown.
Comment: _x000D_ Criteria applied: PS3, PS4, PP1, PP3

CHEO Genetics Diagnostic Laboratory, Children's Hospital of Eastern Ontario
Classification: Likely pathogenic for Breast and/or ovarian cancer. Last evaluated: 2022-08-24. Review status: criteria provided, single submitter. Criteria: ACMG Guidelines, 2015. Collection method: clinical testing. Allele origin: germline.